The following is an entry in ClinVar:

NM_007294.4(BRCA1):c.2357del (p.Leu786fs)

Gene: BRCA1 (BRCA1 DNA repair associated; minus strand). Cytogenetic location: 17q21.31.
Variant type: Deletion.
Coding change: c.2357del on transcript NM_007294.4 (MANE Select); coding-DNA position 2357, one base deleted (T; older notation c.2357delT).
Protein change: p.Leu786fs; shifts the reading frame from leucine 786.
Molecular consequence: frameshift variant. On other transcripts: intron variant (137).
Genome position (GRCh38, 1-based): chr17:43,093,174, A deleted on the plus strand (T on the coding strand, the reverse complement: BRCA1 is on the minus strand). VCF-style (leftmost placement, unchanged base first): chr17-43093173-CA-C. GRCh37 (hg19) VCF-style: chr17-41245190-CA-C.
Other names: c.2354del, p.Leu785fs (NM_001407614.1, NM_001407615.1, NM_001407627.1 and 22 more transcripts); c.2357del, p.Leu786fs (NM_001407616.1, NM_001407617.1, NM_001407618.1 and 30 more transcripts); c.2348del, p.Leu783fs (NM_001407646.1, NM_001407647.1); c.2234del, p.Leu745fs (NM_001407648.1, NM_001407664.1, NM_001407665.1 and 19 more transcripts); c.2231del, p.Leu744fs (NM_001407649.1, NM_001407670.1, NM_001407671.1 and 11 more transcripts); c.2279del, p.Leu760fs (NM_001407653.1, NM_001407654.1, NM_001407655.1 and 4 more transcripts); c.2276del, p.Leu759fs (NM_001407659.1, NM_001407660.1, NM_001407661.1 and 1 more transcripts); c.2216del, p.Leu739fs (NM_001407692.1, NM_001407694.1, NM_001407695.1 and 29 more transcripts); and 41 more; short protein forms L786fs, L739fs, L490fs, L618fs, L658fs, L674fs, L718fs, L719fs.
Identifiers: ClinVar variation 54547 (VCV000054547.5), dbSNP rs397508963, ClinGen allele CA001576.

ClinVar aggregate classification (germline): Pathogenic. Review status: reviewed by expert panel (3 of 4 stars). 2 submissions from 2 submitters: Pathogenic (1). 1 of the submissions does not count toward it. Last evaluated 2016-09-08.

Conditions:
Breast-ovarian cancer, familial, susceptibility to, 1 (BROVCA1). Also called: OVARIAN CANCER, SUSCEPTIBILITY TO; BRCA1 Hereditary Breast and Ovarian Cancer. Identifiers: Orphanet 145, MedGen C2676676, MONDO:0011450, OMIM 604370. Disease mechanism: loss of function.

Submissions (2):

Evidence-based Network for the Interpretation of Germline Mutant Alleles (ENIGMA)
Classification: Pathogenic for Breast-ovarian cancer, familial, susceptibility to, 1. Last evaluated: 2016-09-08. Review status: reviewed by expert panel. Criteria: ENIGMA BRCA1/2 Classification Criteria (2015). Collection method: curation. Allele origin: germline.
Comment: Variant allele predicted to encode a truncated non-functional protein.

Consortium of Investigators of Modifiers of BRCA1/2 (CIMBA), c/o University of Cambridge
Classification: Pathogenic for Breast-ovarian cancer, familial, susceptibility to, 1. Last evaluated: 2015-10-02. Review status: criteria provided, single submitter. Criteria: CIMBA Mutation Classification guidelines May 2016. Collection method: clinical testing. Allele origin: germline. Not counted in ClinVar's aggregate classification.